The following is an entry in ClinVar:

NM_030665.4(RAI1):c.4984C>T (p.Pro1662Ser)

Gene: RAI1 (retinoic acid induced 1; plus strand). Cytogenetic location: 17p11.2.
Variant type: single nucleotide variant.
Coding change: c.4984C>T on transcript NM_030665.4 (MANE Select); coding-DNA position 4984, C replaced by T.
Protein change: p.Pro1662Ser; replaces proline 1662 with serine.
Molecular consequence: missense variant.
Genome position (GRCh38, 1-based): chr17:17,797,932, C>T. VCF-style: chr17-17797932-C-T. GRCh37 (hg19) VCF-style: chr17-17701246-C-T.
Other names: short protein forms P1662S.
Identifiers: ClinVar variation 2039408 (VCV002039408.5), dbSNP rs764221057, ClinGen allele CA8419080.
Genomic context (GRCh38, chr17:17,797,932, plus strand): 5'-TTGGATGCAGCCGGGGCCTCCCTGGCCACACTCCCTGGAGGCTCCATCCTGCAGCCGCGG[C>T]CCTCCTTGCCCCTCTCCTCCACGATGCACTTGGGGCCTGTGGTTTCCAAGGCCCTGAGTA-3'
Protein context (NP_109590.3, residues 1652-1672): LPGGSILQPR[Pro1662Ser]SLPLSSTMHL

ClinVar aggregate classification (germline): Uncertain significance. Review status: criteria provided, multiple submitters, no conflicts (2 of 4 stars). 2 submissions from 2 submitters: Uncertain significance (2). Last evaluated 2024-10-16.

Conditions:
Smith-Magenis syndrome (SMS). Also called: CHROMOSOME 17p11.2 DELETION SYNDROME. Identifiers: Orphanet 819, MedGen C0795864, MONDO:0008434, OMIM 182290.

Allele frequency attached by ClinVar (database versions not stated): ExAC 0.00001; TOPMed 0.00001; gnomAD exomes 0.00002.
gnomAD v4.1: 11 of 1,614,048 alleles (0.00068%); highest among the groups gnomAD compares: Non-Finnish European, 0.00085%; no homozygotes.

Submissions (2):

Labcorp Genetics (formerly Invitae), Labcorp
Classification: Uncertain significance. Last evaluated: 2024-10-16. Review status: criteria provided, single submitter. Criteria: Invitae Variant Classification Sherloc (09022015). Collection method: clinical testing. Allele origin: germline.
Comment: This sequence change replaces proline, which is neutral and non-polar, with serine, which is neutral and polar, at codon 1662 of the RAI1 protein (p.Pro1662Ser). This variant is present in population databases (rs764221057, gnomAD 0.002%). This variant has not been reported in the literature in individuals affected with RAI1-related conditions. ClinVar contains an entry for this variant (Variation ID: 2039408). Invitae Evidence Modeling of protein sequence and biophysical properties (such as structural, functional, and spatial information, amino acid conservation, physicochemical variation, residue mobility, and thermodynamic stability) indicates that this missense variant is not expected to disrupt RAI1 protein function with a negative predictive value of 80%. In summary, the available evidence is currently insufficient to determine the role of this variant in disease. Therefore, it has been classified as a Variant of Uncertain Significance.

Fulgent Genetics
Classification: Uncertain significance for Smith-Magenis syndrome. Last evaluated: 2024-06-11. Review status: criteria provided, single submitter. Criteria: ACMG Guidelines, 2015. Collection method: clinical testing. Allele origin: germline.